The following is an entry in ClinVar:

ClinVar aggregate classification (germline): Likely benign (1 of 4 stars; one submission).

Conditions:
NEB-related disorder. Also called: NEB-Related Disorders; NEB-related condition.

Submission:

PreventionGenetics, part of Exact Sciences
Classification: Likely benign for NEB-related condition. Last evaluated: 2025-07-22. Review status: criteria provided, single submitter. Criteria: ACMG Guidelines, 2015. Collection method: clinical testing. Allele origin: germline.
Comment: This variant is classified as likely benign based on ACMG/AMP sequence variant interpretation guidelines (Richards et al. 2015 PMID: 25741868, with internal and published modifications).

NM_001164508.2(NEB):c.20682+6C>G

Gene: NEB (nebulin; minus strand). Cytogenetic location: 2q23.3.
Variant type: single nucleotide variant.
Coding change: c.20682+6C>G on transcript NM_001164508.2 (MANE Select); 6 bases into the intron after coding-DNA position 20682, C replaced by G.
Molecular consequence: intron variant.
Genome position (GRCh38, 1-based): chr2:151,541,441, G>C on the plus strand (C>G on the coding strand, the complement: NEB is on the minus strand). VCF-style: chr2-151541441-G-C. GRCh37 (hg19) VCF-style: chr2-152397955-G-C.
Other names: c.15579+6C>G (NM_004543.5); c.20682+6C>G (NM_001164507.2, NM_001271208.2).
Identifiers: ClinVar variation 4988681 (VCV004988681.1).